The following is an entry in ClinVar:

NM_000219.6(KCNE1):c.15C>G (p.Asn5Lys)

Gene: KCNE1 (potassium voltage-gated channel subfamily E regulatory subunit 1; minus strand). Cytogenetic location: 21q22.12.
Variant type: single nucleotide variant.
Coding change: c.15C>G on transcript NM_000219.6 (MANE Select); coding-DNA position 15, C replaced by G.
Protein change: p.Asn5Lys; replaces asparagine 5 with lysine.
Molecular consequence: missense variant.
Genome position (GRCh38, 1-based): chr21:34,449,620, G>C on the plus strand (C>G on the coding strand, the complement: KCNE1 is on the minus strand). VCF-style: chr21-34449620-G-C. GRCh37 (hg19) VCF-style: chr21-35821918-G-C.
Other names: c.15C>G, p.Asn5Lys (NM_001127668.4, NM_001127669.4, NM_001127670.4 and 4 more transcripts); short protein forms N5K.
Identifiers: ClinVar variation 3374180 (VCV003374180.2).

Conditions:
Long QT syndrome 5 (LQT5). Identifiers: Orphanet 101016, Orphanet 768, MedGen C1867904, MONDO:0013372, OMIM 613695.

Submission:

Roden Lab, Vanderbilt University Medical Center
No classification provided (evidence only). Condition: Long QT syndrome 5. Review status: no classification provided. Collection method: in vitro. Allele origin: not applicable. Functional consequence: Effect on ion channel function.
ClinVar note: "not provided" was previously submitted as the classification for the variant. However, the classification appeared to be based only on an observation of functional data so it was converted to no classification on 2025-07-30.